The following is an entry in ClinVar:

ClinVar aggregate classification (germline): Uncertain significance (1 of 4 stars; one submission).

gnomAD v4.1: 1 of 1,612,868 alleles (0.000062%); no homozygotes.

Submission:

Labcorp Genetics (formerly Invitae), Labcorp
Classification: Uncertain significance. Last evaluated: 2022-05-14. Review status: criteria provided, single submitter. Criteria: Invitae Variant Classification Sherloc (09022015). Collection method: clinical testing. Allele origin: germline.
Comment: In summary, the available evidence is currently insufficient to determine the role of this variant in disease. Therefore, it has been classified as a Variant of Uncertain Significance. Algorithms developed to predict the effect of missense changes on protein structure and function (SIFT, PolyPhen-2, Align-GVGD) all suggest that this variant is likely to be disruptive. This variant has not been reported in the literature in individuals affected with GIPC3-related conditions. This variant is not present in population databases (gnomAD no frequency). This sequence change replaces arginine, which is basic and polar, with histidine, which is basic and polar, at codon 189 of the GIPC3 protein (p.Arg189His).

NM_133261.3(GIPC3):c.566G>A (p.Arg189His)

Gene: GIPC3 (GIPC PDZ domain containing family member 3; plus strand). Cytogenetic location: 19p13.3.
Variant type: single nucleotide variant.
Coding change: c.566G>A on transcript NM_133261.3 (MANE Select); coding-DNA position 566, G replaced by A.
Protein change: p.Arg189His; replaces arginine 189 with histidine.
Molecular consequence: missense variant.
Genome position (GRCh38, 1-based): chr19:3,586,968, G>A. VCF-style: chr19-3586968-G-A. GRCh37 (hg19) VCF-style: chr19-3586966-G-A.
Other names: c.566G>A, p.Arg189His (NM_001411144.1); short protein forms R189H.
Identifiers: ClinVar variation 2057470 (VCV002057470.3), dbSNP rs2032379822, ClinGen allele CA403362690.
Genomic context (GRCh38, chr19:3,586,968, plus strand): 5'-GCCACTACGAGGTGGCCAAGATGCTCCGGGAGCTGCCCAAGTCCCAGCCCTTCACCCTGC[G>A]CCTGGTGCAGCCCAAGAGGGCCTTCGGTGAGGCGGGTGGGCTGGCGGGAGCTCTTCCCGA-3'
Protein context (NP_573568.1, residues 179-199): ELPKSQPFTL[Arg189His]LVQPKRAFDM